The following is an entry in ClinVar:

ClinVar aggregate classification (germline): Uncertain significance (1 of 4 stars; one submission).

Allele frequency attached by ClinVar (database versions not stated): gnomAD 0.00001; gnomAD exomes 0.00001 and 0.00002; ExAC 0.00002; TOPMed 0.00003.
gnomAD v4.1: 32 of 1,597,782 alleles (0.002%); highest among the groups gnomAD compares: Middle Eastern, 0.1%; no homozygotes.

Submission:

Labcorp Genetics (formerly Invitae), Labcorp
Classification: Uncertain significance. Last evaluated: 2025-11-26. Review status: criteria provided, single submitter. Criteria: Invitae Variant Classification Sherloc (09022015). Collection method: clinical testing. Allele origin: germline.
Comment: This sequence change falls in intron 10 of the SEC24D gene. It does not directly change the encoded amino acid sequence of the SEC24D protein. It affects a nucleotide within the consensus splice site. This variant is present in population databases (rs750079948, gnomAD 0.002%). This variant has not been reported in the literature in individuals affected with SEC24D-related conditions. ClinVar contains an entry for this variant (Variation ID: 1506177). Variants that disrupt the consensus splice site are a relatively common cause of aberrant splicing (PMID: 17576681, 9536098). Algorithms developed to predict the effect of sequence changes on RNA splicing suggest that this variant is not likely to affect RNA splicing. In summary, the available evidence is currently insufficient to determine the role of this variant in disease. Therefore, it has been classified as a Variant of Uncertain Significance.

Literature cited by the submitters: PubMed 17576681; PubMed 9536098.

NM_014822.4(SEC24D):c.1297-3T>C

Gene: SEC24D (SEC24 homolog D, COPII component; minus strand). Cytogenetic location: 4q26.
Variant type: single nucleotide variant.
Coding change: c.1297-3T>C on transcript NM_014822.4 (MANE Select); 3 bases into the intron before coding-DNA position 1297, T replaced by C.
Molecular consequence: intron variant.
Genome position (GRCh38, 1-based): chr4:118,757,848, A>G on the plus strand (T>C on the coding strand, the complement: SEC24D is on the minus strand). VCF-style: chr4-118757848-A-G. GRCh37 (hg19) VCF-style: chr4-119679003-A-G.
Other names: c.1300-3T>C (NM_001318066.2).
Identifiers: ClinVar variation 1506177 (VCV001506177.4), dbSNP rs750079948, ClinGen allele CA3057279.